The following is an entry in ClinVar:

ClinVar aggregate classification (germline): Uncertain significance (1 of 4 stars; one submission).

Conditions:
Combined oxidative phosphorylation defect type 14. Also called: Combined oxidative phosphorylation deficiency 14. Identifiers: Orphanet 319519, MedGen C4755312, MONDO:0013986, OMIM 614946.

Allele frequency attached by ClinVar (database versions not stated): TOPMed below 0.00001; gnomAD 0.00001; gnomAD exomes 0.00003.
gnomAD v4.1: 42 of 1,614,054 alleles (0.0026%); highest among the groups gnomAD compares: Non-Finnish European, 0.0036%; no homozygotes.

Submission:

Labcorp Genetics (formerly Invitae), Labcorp
Classification: Uncertain significance for Combined oxidative phosphorylation defect type 14. Last evaluated: 2021-07-21. Review status: criteria provided, single submitter. Criteria: Invitae Variant Classification Sherloc (09022015). Collection method: clinical testing. Allele origin: germline.
Comment: In summary, the available evidence is currently insufficient to determine the role of this variant in disease. Therefore, it has been classified as a Variant of Uncertain Significance. This variant has not been reported in the literature in individuals affected with FARS2-related conditions. Advanced modeling of protein sequence and biophysical properties (such as structural, functional, and spatial information, amino acid conservation, physicochemical variation, residue mobility, and thermodynamic stability) performed at Invitae indicates that this missense variant is not expected to disrupt FARS2 protein function. This sequence change replaces arginine with glycine at codon 428 of the FARS2 protein (p.Arg428Gly). The arginine residue is weakly conserved and there is a moderate physicochemical difference between arginine and glycine. This variant is not present in population databases (ExAC no frequency).

NM_006567.5(FARS2):c.1282A>G (p.Arg428Gly)

Gene: FARS2 (phenylalanyl-tRNA synthetase 2, mitochondrial; plus strand). Cytogenetic location: 6p25.1.
Variant type: single nucleotide variant.
Coding change: c.1282A>G on transcript NM_006567.5 (MANE Select); coding-DNA position 1282, A replaced by G.
Protein change: p.Arg428Gly; replaces arginine 428 with glycine.
Molecular consequence: missense variant.
Genome position (GRCh38, 1-based): chr6:5,771,355, A>G. VCF-style: chr6-5771355-A-G. GRCh37 (hg19) VCF-style: chr6-5771588-A-G.
Other names: c.1282A>G, p.Arg428Gly (NM_001318872.2, NM_001374875.1, NM_001374876.1 and 4 more transcripts); c.1150A>G, p.Arg384Gly (NM_001375258.1); c.586A>G, p.Arg196Gly (NM_001375259.1, NM_001375260.1); short protein forms R196G, R384G, R428G.
Identifiers: ClinVar variation 1437241 (VCV001437241.8), dbSNP rs1339803692, ClinGen allele CA362737381.
Genomic context (GRCh38, chr6:5,771,355, plus strand): 5'-CACAAGACCAGCCACTGCTACCGCATCACGTACCGCCACATGGAACGGACTCTGTCCCAG[A>G]GAGAGGTCAGGCACATCCACCAGGCCTTGCAGGAGGCTGCAGTCCAGCTGTTGGGTGTGG-3'
Protein context (NP_006558.1, residues 418-438): YRHMERTLSQ[Arg428Gly]EVRHIHQALQ